The following is an entry in ClinVar:

NM_024740.2(ALG9):c.596C>G (p.Thr199Ser)

Gene: ALG9 (ALG9 alpha-1,2-mannosyltransferase; minus strand). Cytogenetic location: 11q23.1.
Variant type: single nucleotide variant.
Coding change: c.596C>G on transcript NM_024740.2 (MANE Select); coding-DNA position 596, C replaced by G.
Protein change: p.Thr199Ser; replaces threonine 199 with serine.
Molecular consequence: missense variant. On other transcripts: non-coding transcript variant (1).
Genome position (GRCh38, 1-based): chr11:111,857,707, G>C on the plus strand (C>G on the coding strand, the complement: ALG9 is on the minus strand). VCF-style: chr11-111857707-G-C. GRCh37 (hg19) VCF-style: chr11-111728430-G-C.
Other names: c.596C>G, p.Thr199Ser (NM_001077690.1, NM_001352417.1, NM_001352418.1); c.83C>G, p.Thr28Ser (NM_001077691.2, NM_001077692.2, NM_001352409.1 and 11 more transcripts); c.8C>G, p.Thr3Ser (NM_001352422.2); short protein forms T3S, T28S, T199S.
Identifiers: ClinVar variation 2147429 (VCV002147429.4), dbSNP rs782217417, ClinGen allele CA6274621.

ClinVar aggregate classification (germline): Uncertain significance. Review status: criteria provided, multiple submitters, no conflicts (2 of 4 stars). 2 submissions from 2 submitters: Uncertain significance (2). Last evaluated 2025-09-15.

Conditions:
ALG9-related disorder. Also called: ALG9-related condition.
ALG9 congenital disorder of glycosylation (CDG1L). Also called: CDG Il; ALG9-CDG; CONGENITAL DISORDER OF GLYCOSYLATION, TYPE Il. Identifiers: Orphanet 79328, MedGen C2931006, MONDO:0012117, OMIM 608776.

Allele frequency attached by ClinVar (database versions not stated): gnomAD 0.00001; TOPMed 0.00001; ExAC 0.00002.
gnomAD v4.1: 9 of 1,614,042 alleles (0.00056%); highest among the groups gnomAD compares: African/African-American, 0.0013%; no homozygotes.

Submissions (2):

PreventionGenetics, part of Exact Sciences
Classification: Uncertain significance for ALG9-related condition. Last evaluated: 2025-09-15. Review status: criteria provided, single submitter. Criteria: ACMG Guidelines, 2015. Collection method: clinical testing. Allele origin: germline.
Comment: The ALG9 c.596C>G variant is predicted to result in the amino acid substitution p.Thr199Ser. To our knowledge, this variant has not been reported in the literature. This variant is reported in 0.00088% of alleles in individuals of European (Non-Finnish) descent in gnomAD. At this time, the clinical significance of this variant is uncertain due to the absence of conclusive functional and genetic evidence.

Labcorp Genetics (formerly Invitae), Labcorp
Classification: Uncertain significance for ALG9 congenital disorder of glycosylation. Last evaluated: 2022-05-25. Review status: criteria provided, single submitter. Criteria: Invitae Variant Classification Sherloc (09022015). Collection method: clinical testing. Allele origin: germline.
Comment: In summary, the available evidence is currently insufficient to determine the role of this variant in disease. Therefore, it has been classified as a Variant of Uncertain Significance. Experimental studies and prediction algorithms are not available or were not evaluated, and the functional significance of this variant is currently unknown. This variant has not been reported in the literature in individuals affected with ALG9-related conditions. This variant is present in population databases (rs782217417, gnomAD 0.003%). This sequence change replaces threonine, which is neutral and polar, with serine, which is neutral and polar, at codon 199 of the ALG9 protein (p.Thr199Ser).